The following is an entry in ClinVar:

NM_000051.4(ATM):c.2455T>A (p.Cys819Ser)

Gene: ATM (ATM serine/threonine kinase; plus strand). Cytogenetic location: 11q22.3.
Variant type: single nucleotide variant.
Coding change: c.2455T>A on transcript NM_000051.4 (MANE Select); coding-DNA position 2455, T replaced by A.
Protein change: p.Cys819Ser; replaces cysteine 819 with serine.
Molecular consequence: missense variant.
Genome position (GRCh38, 1-based): chr11:108,259,064, T>A. VCF-style: chr11-108259064-T-A. GRCh37 (hg19) VCF-style: chr11-108129791-T-A.
Other names: c.2455T>A, p.Cys819Ser (NM_001351834.2); short protein forms C819S.
Identifiers: ClinVar variation 5031298 (VCV005031298.1).
Genomic context (GRCh38, chr11:108,259,064, plus strand): 5'-GCATCTGGCTTTTTCCTGCGATTGTTAACATCAAAGCTAATGAATGACATTGCAGATATT[T>A]GTAAAAGTTTAGTAAGTATGCTTCCTGTTTTGCTATCATATTTTGATTCTAATAGGCATA-3'
Protein context (NP_000042.3, residues 809-829): SKLMNDIADI[Cys819Ser]KSLASFIKKP

ClinVar aggregate classification (germline): Uncertain significance (1 of 4 stars; one submission).

Conditions:
Hereditary cancer-predisposing syndrome. Also called: Neoplastic Syndromes, Hereditary; Tumor predisposition; Hereditary neoplastic syndrome; Hereditary Cancer Syndrome. Identifiers: Orphanet 140162, MedGen C0027672, MeSH D009386, MONDO:0015356.

Submission:

Ambry Genetics
Classification: Uncertain significance for Hereditary cancer-predisposing syndrome. Last evaluated: 2026-06-23. Review status: criteria provided, single submitter. Criteria: Ambry Variant Classification Scheme 2023. Collection method: clinical testing. Allele origin: germline.
Comment: The p.C819S variant (also known as c.2455T>A), located in coding exon 15 of the ATM gene, results from a T to A substitution at nucleotide position 2455. The cysteine at codon 819 is replaced by serine, an amino acid with dissimilar properties. In an assay testing ATM function, this variant showed a functionally normal result (Lee KS et al. Cell, 2025 Sep;188:5081-5099.e27). This amino acid position is highly conserved in available vertebrate species. In addition, the in silico prediction for this alteration is inconclusive. Based on the available evidence, the clinical significance of this variant remains unclear.

Literature cited by the submitters: PubMed 40580951.